The following is an entry in ClinVar:

NM_000355.4(TCN2):c.463dup (p.Tyr155fs)

Gene: TCN2 (transcobalamin 2; plus strand). Cytogenetic location: 22q12.2.
Variant type: Duplication.
Coding change: c.463dup on transcript NM_000355.4 (MANE Select); coding-DNA position 463, one base duplicated (T; older notation c.463dupT).
Protein change: p.Tyr155fs; shifts the reading frame from tyrosine 155.
Molecular consequence: frameshift variant.
Genome position (GRCh38, 1-based): chr22:30,614,384, T duplicated. VCF-style (leftmost placement, unchanged base first): chr22-30614383-C-CT. GRCh37 (hg19) VCF-style: chr22-31010370-C-CT.
Other names: c.382dup, p.Tyr128fs (NM_001184726.2); short protein forms Y155fs, Y128fs.
Identifiers: ClinVar variation 2844837 (VCV002844837.3), dbSNP rs2517906503, ClinGen allele CA2739267904.
Genomic context (GRCh38, chr22:30,614,383, plus strand): 5'-AACCCCTCTGTTTTTTTCCCTCTCAGGGCATGATCACAAGGGCCACCCCCACACTAGCTA[C>CT]TACCAGTATGGCCTGGGCATTCTGGCCCTGTGTCTCCACCAGAAGCGGGTCCATGACAGC-3'

ClinVar aggregate classification (germline): Pathogenic (1 of 4 stars; one submission).

Conditions:
Transcobalamin II deficiency (TCN2D). Also called: Transcolabamin II deficiency; TC II DEFICIENCY; TCN2 DEFICIENCY. Identifiers: Orphanet 859, MedGen C0342701, MONDO:0010149, OMIM 275350.

Submission:

Labcorp Genetics (formerly Invitae), Labcorp
Classification: Pathogenic for Transcobalamin II deficiency. Last evaluated: 2023-03-10. Review status: criteria provided, single submitter. Criteria: Invitae Variant Classification Sherloc (09022015). Collection method: clinical testing. Allele origin: germline.
Comment: This sequence change creates a premature translational stop signal (p.Tyr155Leufs*19) in the TCN2 gene. It is expected to result in an absent or disrupted protein product. Loss-of-function variants in TCN2 are known to be pathogenic (PMID: 7980584, 20352340). This variant is not present in population databases (gnomAD no frequency). This variant has not been reported in the literature in individuals affected with TCN2-related conditions. For these reasons, this variant has been classified as Pathogenic.

Literature cited by the submitters: PubMed 7980584; PubMed 20352340.